The following is an entry in ClinVar:

ClinVar aggregate classification (germline): Benign. Review status: criteria provided, multiple submitters, no conflicts (2 of 4 stars). 10 submissions from 10 submitters: Benign (9). 1 of the submissions does not count toward it. Last evaluated 2026-09-01.

Conditions:
Inborn genetic diseases. Identifiers: MedGen C0950123, MeSH D030342.
Hereditary cancer-predisposing syndrome. Also called: Neoplastic Syndromes, Hereditary; Hereditary neoplastic syndrome; Hereditary Cancer Syndrome; Tumor predisposition. Identifiers: Orphanet 140162, MedGen C0027672, MeSH D009386, MONDO:0015356.
Shwachman-Diamond syndrome 1 (SDS1). Also called: LIPOMATOSIS OF PANCREAS, CONGENITAL. Identifiers: MedGen C4692625, MONDO:0044204, OMIM 260400.

Allele frequency attached by ClinVar (database versions not stated): TOPMed 0.00747; 1000 Genomes Project 30x 0.01265; gnomAD exomes 0.00410 and 0.00653; ExAC 0.00678; gnomAD 0.00747 and 0.00764; 1000 Genomes Project 0.01378; ESP Exome Variant Server 0.00600.
gnomAD v4.1: 7,286 of 1,612,664 alleles (0.45%); highest among the groups gnomAD compares: East Asian, 2.6%; 45 homozygotes.

Submissions (10):

CeGaT Center for Human Genetics Tuebingen
Classification: Benign. Last evaluated: 2026-09-01. Review status: criteria provided, single submitter. Criteria: CeGaT Center For Human Genetics Tuebingen Variant Classification Criteria Version 2. Collection method: clinical testing. Allele origin: germline. Affected: yes. Observed: 18 variant alleles.
Comment: SBDS: BP4, BP7, BS1, BS2

Women's Health and Genetics/Laboratory Corporation of America, LabCorp
Classification: Benign. Last evaluated: 2026-01-22. Review status: criteria provided, single submitter. Criteria: LabCorp Variant Classification Summary - May 2015. Collection method: clinical testing. Allele origin: germline.

Molecular Diagnostics Laboratory, Catalan Institute of Oncology
Classification: Benign for Hereditary cancer-predisposing syndrome. Last evaluated: 2025-05-18. Review status: criteria provided, single submitter. Criteria: ACMG Guidelines, 2015. Collection method: clinical testing. Allele origin: germline.
Comment: BA1 c.141C>T, located in exon 2 of the SBDS gene, is predicted to result in no amino acid change, p.(Leu47=). R24This variant is found in 641/19234 (8 homozygotes) with a filter allele frequency of 3% at 99% confidence in the gnomAD v2.1.1 database (East Asian non-cancer data set)(BA1). The SpliceAI algorithm predicts no significant impact on splicing. This variant has been only reported in ClinVar database (7x benign) and in the LOVD database (3x benign). Based on currently available information, the variant c.141C>T is classified as a benign variant according to ACMG guidelines.

Mayo Clinic Laboratories, Mayo Clinic
Classification: Benign. Last evaluated: 2023-10-20. Review status: criteria provided, single submitter. Criteria: ACMG Guidelines, 2015. Collection method: clinical testing. Allele origin: germline. Observed: 28 variant alleles.
Comment: BS1, BS2, BP4, BP7

Ambry Genetics
Classification: Benign for Inborn genetic diseases. Last evaluated: 2017-07-31. Review status: criteria provided, single submitter. Criteria: Ambry Variant Classification Scheme 2023. Collection method: clinical testing. Allele origin: germline.

Genome Diagnostics Laboratory, University Medical Center Utrecht
Classification: Benign for Shwachman-Diamond syndrome 1. Last evaluated: 2017-07-28. Review status: criteria provided, single submitter. Criteria: ACGS Guidelines, 2013. Collection method: clinical testing. Allele origin: germline. Affected: yes. Study: VKGL Data-share Consensus.

GeneDx
Classification: Benign. Last evaluated: 2015-03-03. Review status: criteria provided, single submitter. Criteria: GeneDx Variant Classification Process June 2021. Collection method: clinical testing. Allele origin: germline. Affected: yes.

Breakthrough Genomics
Classification: Benign. Review status: criteria provided, single submitter. Criteria: ACMG Guidelines, 2015. Collection method: not provided. Allele origin: germline. Inheritance: Autosomal recessive inheritance. Affected: yes.

PreventionGenetics, part of Exact Sciences
Classification: Benign. Review status: criteria provided, single submitter. Criteria: ACMG Guidelines, 2015. Collection method: clinical testing. Allele origin: germline.

Genome Diagnostics Laboratory, Amsterdam University Medical Center
Classification: Benign for Shwachman-Diamond syndrome 1. Last evaluated: 2016-07-20. Review status: no assertion criteria provided. Criteria: ACGS Guidelines, 2013. Collection method: clinical testing. Allele origin: germline. Affected: yes. Study: VKGL Data-share Consensus. Not counted in ClinVar's aggregate classification.

Literature cited by the submitters: PubMed 31785789 (cited by Mayo Clinic Laboratories, Mayo Clinic).

NM_016038.4(SBDS):c.141C>T (p.Leu47=)

Gene: SBDS (SBDS ribosome maturation factor; minus strand). Cytogenetic location: 7q11.21.
Variant type: single nucleotide variant.
Coding change: c.141C>T on transcript NM_016038.4 (MANE Select); coding-DNA position 141, C replaced by T.
Protein change: p.Leu47=; no amino-acid change (leucine 47 retained).
Molecular consequence: synonymous variant.
Genome position (GRCh38, 1-based): chr7:66,994,329, G>A on the plus strand (C>T on the coding strand, the complement: SBDS is on the minus strand). VCF-style: chr7-66994329-G-A. GRCh37 (hg19) VCF-style: chr7-66459316-G-A.
Other names: p.Leu47=; c.141C>T, p.Leu47= (LRG_104t1).
Identifiers: ClinVar variation 21536 (VCV000021536.37), dbSNP rs113993989, ClinGen allele CA342191.